The following is an entry in ClinVar:

NM_201550.4(LRRC10):c.142G>A (p.Val48Met)

Gene: LRRC10 (leucine rich repeat containing 10; minus strand). Cytogenetic location: 12q15.
Variant type: single nucleotide variant.
Coding change: c.142G>A on transcript NM_201550.4 (MANE Select); coding-DNA position 142, G replaced by A.
Protein change: p.Val48Met; replaces valine 48 with methionine.
Molecular consequence: missense variant.
Genome position (GRCh38, 1-based): chr12:69,610,697, C>T on the plus strand (G>A on the coding strand, the complement: LRRC10 is on the minus strand). VCF-style: chr12-69610697-C-T. GRCh37 (hg19) VCF-style: chr12-70004477-C-T.
Other names: c.142G>A (NM_201550.2); short protein forms V48M.
Identifiers: ClinVar variation 583041 (VCV000583041.9), dbSNP rs565500326, ClinGen allele CA6681126.

ClinVar aggregate classification (germline): Uncertain significance. Review status: criteria provided, multiple submitters, no conflicts (2 of 4 stars). 2 submissions from 2 submitters: Uncertain significance (2). Last evaluated 2025-12-09.

Allele frequency attached by ClinVar (database versions not stated): gnomAD 0.00001; ExAC 0.00002; gnomAD exomes 0.00001 and 0.00002; TOPMed 0.00001.

Submissions (2):

Ambry Genetics
Classification: Uncertain significance. Last evaluated: 2025-12-09. Review status: criteria provided, single submitter. Criteria: Ambry Variant Classification Scheme 2023. Collection method: clinical testing. Allele origin: germline.

Labcorp Genetics (formerly Invitae), Labcorp
Classification: Uncertain significance. Last evaluated: 2023-08-10. Review status: criteria provided, single submitter. Criteria: Invitae Variant Classification Sherloc (09022015). Collection method: clinical testing. Allele origin: germline.
Comment: This sequence change replaces valine, which is neutral and non-polar, with methionine, which is neutral and non-polar, at codon 48 of the LRRC10 protein (p.Val48Met). In summary, the available evidence is currently insufficient to determine the role of this variant in disease. Therefore, it has been classified as a Variant of Uncertain Significance. An algorithm developed to predict the effect of missense changes on protein structure and function (PolyPhen-2) suggests that this variant is likely to be tolerated. ClinVar contains an entry for this variant (Variation ID: 583041). This variant has not been reported in the literature in individuals affected with LRRC10-related conditions. This variant is present in population databases (rs565500326, gnomAD 0.01%).